The following is an entry in ClinVar:

NM_182914.3(SYNE2):c.3868C>G (p.His1290Asp)

Gene: SYNE2 (spectrin repeat containing nuclear envelope protein 2; plus strand). Cytogenetic location: 14q23.2.
Variant type: single nucleotide variant.
Coding change: c.3868C>G on transcript NM_182914.3 (MANE Select); coding-DNA position 3868, C replaced by G.
Protein change: p.His1290Asp; replaces histidine 1290 with aspartic acid.
Molecular consequence: missense variant.
Genome position (GRCh38, 1-based): chr14:64,002,801, C>G. VCF-style: chr14-64002801-C-G. GRCh37 (hg19) VCF-style: chr14-64469519-C-G.
Other names: c.3868C>G, p.His1290Asp (NM_015180.6); short protein forms H1290D.
Identifiers: ClinVar variation 3647124 (VCV003647124.2).

ClinVar aggregate classification (germline): Uncertain significance (1 of 4 stars; one submission).

Conditions:
Emery-Dreifuss muscular dystrophy 5, autosomal dominant (EDMD5). Also called: EMERY-DREIFUSS MUSCULAR DYSTROPHY 5. Identifiers: Orphanet 261, MedGen C2751805, MONDO:0013072, OMIM 612999.

Submission:

Labcorp Genetics (formerly Invitae), Labcorp
Classification: Uncertain significance for Emery-Dreifuss muscular dystrophy 5, autosomal dominant. Last evaluated: 2024-08-28. Review status: criteria provided, single submitter. Criteria: Invitae Variant Classification Sherloc (09022015). Collection method: clinical testing. Allele origin: germline.
Comment: This sequence change replaces histidine, which is basic and polar, with aspartic acid, which is acidic and polar, at codon 1290 of the SYNE2 protein (p.His1290Asp). This variant is not present in population databases (gnomAD no frequency). This variant has not been reported in the literature in individuals affected with SYNE2-related conditions. An algorithm developed to predict the effect of missense changes on protein structure and function outputs the following: PolyPhen-2: "Benign". The aspartic acid amino acid residue is found in multiple mammalian species, which suggests that this missense change does not adversely affect protein function. In summary, the available evidence is currently insufficient to determine the role of this variant in disease. Therefore, it has been classified as a Variant of Uncertain Significance.